The following is an entry in ClinVar:

ClinVar aggregate classification (germline): Uncertain significance (1 of 4 stars; one submission).

Conditions:
Hyperphosphatasia with impaired intellectual development syndrome 2. Also called: Hyperphosphatasia with intellectual disability syndrome 2; GLYCOSYLPHOSPHATIDYLINOSITOL BIOSYNTHESIS DEFECT 6. Identifiers: Orphanet 247262, MedGen C3553637, MONDO:0013882, OMIM 614749.

Allele frequency attached by ClinVar (database versions not stated): gnomAD exomes below 0.00001.
gnomAD v4.1: 2 of 1,614,224 alleles (0.00012%); highest among the groups gnomAD compares: Non-Finnish European, 0.00017%; no homozygotes.

Submission:

Labcorp Genetics (formerly Invitae), Labcorp
Classification: Uncertain significance for Hyperphosphatasia with impaired intellectual development syndrome 2. Last evaluated: 2024-08-13. Review status: criteria provided, single submitter. Criteria: Invitae Variant Classification Sherloc (09022015). Collection method: clinical testing. Allele origin: germline.
Comment: This sequence change replaces alanine, which is neutral and non-polar, with threonine, which is neutral and polar, at codon 982 of the PIGO protein (p.Ala982Thr). This variant is present in population databases (no rsID available, gnomAD 0.0009%). This variant has not been reported in the literature in individuals affected with PIGO-related conditions. ClinVar contains an entry for this variant (Variation ID: 573249). An algorithm developed to predict the effect of missense changes on protein structure and function outputs the following: PolyPhen-2: "Benign". The threonine amino acid residue is found in multiple mammalian species, which suggests that this missense change does not adversely affect protein function. In summary, the available evidence is currently insufficient to determine the role of this variant in disease. Therefore, it has been classified as a Variant of Uncertain Significance.

NM_032634.4(PIGO):c.2944G>A (p.Ala982Thr)

Gene: PIGO (phosphatidylinositol glycan anchor biosynthesis class O; minus strand). Cytogenetic location: 9p13.3.
Variant type: single nucleotide variant.
Coding change: c.2944G>A on transcript NM_032634.4 (MANE Select); coding-DNA position 2944, G replaced by A.
Protein change: p.Ala982Thr; replaces alanine 982 with threonine.
Molecular consequence: missense variant.
Genome position (GRCh38, 1-based): chr9:35,090,191, C>T on the plus strand (G>A on the coding strand, the complement: PIGO is on the minus strand). VCF-style: chr9-35090191-C-T. GRCh37 (hg19) VCF-style: chr9-35090188-C-T.
Other names: c.1693G>A, p.Ala565Thr (NM_001201484.2, NM_152850.4); short protein forms A982T, A565T.
Identifiers: ClinVar variation 573249 (VCV000573249.8), dbSNP rs1183627091, ClinGen allele CA373317837.